The following is an entry in ClinVar:

NM_000545.8(HNF1A):c.1126C>T (p.Pro376Ser)

Gene: HNF1A (HNF1 homeobox A; plus strand). Cytogenetic location: 12q24.31.
Variant type: single nucleotide variant.
Coding change: c.1126C>T on transcript NM_000545.8 (MANE Select); coding-DNA position 1126, C replaced by T.
Protein change: p.Pro376Ser; replaces proline 376 with serine.
Molecular consequence: missense variant.
Genome position (GRCh38, 1-based): chr12:120,996,559, C>T. VCF-style: chr12-120996559-C-T. GRCh37 (hg19) VCF-style: chr12-121434362-C-T.
Other names: c.1126C>T, p.Pro376Ser (NM_001306179.2, NM_001406915.1); short protein forms P376S.
Identifiers: ClinVar variation 2684074 (VCV002684074.3), dbSNP rs1225119708, ClinGen allele CA386968938.

ClinVar aggregate classification (germline): Conflicting classifications of pathogenicity. Review status: criteria provided, conflicting classifications (1 of 4 stars). 3 submissions from 3 submitters: Uncertain significance (2); Likely benign (1). Last evaluated 2024-07-30.

Allele frequency attached by ClinVar (database versions not stated): gnomAD 0.00001; TOPMed 0.00002; gnomAD exomes 0.00004.
gnomAD v4.1: 24 of 1,613,686 alleles (0.0015%); highest among the groups gnomAD compares: Non-Finnish European, 0.002%; no homozygotes.

Submissions (3):

Blueprint Genetics
Classification: Likely benign. Last evaluated: 2024-07-30. Review status: criteria provided, single submitter. Criteria: ACMG Guidelines, 2015. Collection method: clinical testing. Allele origin: germline.

Labcorp Genetics (formerly Invitae), Labcorp
Classification: Uncertain significance. Last evaluated: 2024-05-19. Review status: criteria provided, single submitter. Criteria: Invitae Variant Classification Sherloc (09022015). Collection method: clinical testing. Allele origin: germline.
Comment: This sequence change replaces proline, which is neutral and non-polar, with serine, which is neutral and polar, at codon 376 of the HNF1A protein (p.Pro376Ser). This variant is present in population databases (no rsID available, gnomAD 0.004%). This variant has not been reported in the literature in individuals affected with HNF1A-related conditions. Advanced modeling of protein sequence and biophysical properties (such as structural, functional, and spatial information, amino acid conservation, physicochemical variation, residue mobility, and thermodynamic stability) performed at Invitae indicates that this missense variant is not expected to disrupt HNF1A protein function with a negative predictive value of 80%. In summary, the available evidence is currently insufficient to determine the role of this variant in disease. Therefore, it has been classified as a Variant of Uncertain Significance.

Athena Diagnostics
Classification: Uncertain significance. Last evaluated: 2022-09-20. Review status: criteria provided, single submitter. Criteria: Athena Diagnostics Criteria. Collection method: clinical testing. Allele origin: unknown.
Comment: Available data are insufficient to determine the clinical significance of the variant at this time. The frequency of this variant in the general population is uninformative in assessment of its pathogenicity. Computational tools predict that this variant is not damaging.